The following is an entry in ClinVar:

ClinVar aggregate classification (germline): Uncertain significance (1 of 4 stars; one submission).

Conditions:
Autosomal dominant hypocalcemia 1 (HYPOC1). Also called: HYPOCALCEMIA, FAMILIAL. Identifiers: MedGen C3715128, MONDO:0011013, OMIM 601198.
Familial hypocalciuric hypercalcemia (FHH). Also called: Familial benign hypercalcemia. Identifiers: Orphanet 405, MedGen C1809471, MONDO:0018458.

Submission:

Labcorp Genetics (formerly Invitae), Labcorp
Classification: Uncertain significance for Familial hypocalciuric hypercalcemia; Autosomal dominant hypocalcemia 1. Last evaluated: 2019-04-11. Review status: criteria provided, single submitter. Criteria: Invitae Variant Classification Sherloc (09022015). Collection method: clinical testing. Allele origin: germline.
Comment: In summary, the available evidence is currently insufficient to determine the role of this variant in disease. Therefore, it has been classified as a Variant of Uncertain Significance. This sequence change replaces cysteine with glycine at codon 561 of the CASR protein (p.Cys561Gly). The cysteine residue is highly conserved and there is a large physicochemical difference between cysteine and glycine. This variant is not present in population databases (ExAC no frequency). This variant has not been reported in the literature in individuals with CASR-related conditions. Algorithms developed to predict the effect of missense changes on protein structure and function are either unavailable or do not agree on the potential impact of this missense change (SIFT: "Tolerated"; PolyPhen-2: "Possibly Damaging"; Align-GVGD: "Class C0").

NM_000388.4(CASR):c.1681T>G (p.Cys561Gly)

Gene: CASR (calcium sensing receptor; plus strand). Cytogenetic location: 3q21.1.
Variant type: single nucleotide variant.
Coding change: c.1681T>G on transcript NM_000388.4 (MANE Select); coding-DNA position 1681, T replaced by G.
Protein change: p.Cys561Gly; replaces cysteine 561 with glycine.
Molecular consequence: missense variant.
Genome position (GRCh38, 1-based): chr3:122,282,185, T>G. VCF-style: chr3-122282185-T-G. GRCh37 (hg19) VCF-style: chr3-122001032-T-G.
Other names: c.1711T>G, p.Cys571Gly (NM_001178065.2); short protein forms C561G, C571G.
Identifiers: ClinVar variation 838647 (VCV000838647.10), dbSNP rs2074898625, ClinGen allele CA354156259.